The following is an entry in ClinVar:

NM_020812.4(DOCK6):c.3136C>T (p.Arg1046Cys)

Gene: DOCK6 (dedicator of cytokinesis 6; minus strand). Cytogenetic location: 19p13.2.
Variant type: single nucleotide variant.
Coding change: c.3136C>T on transcript NM_020812.4 (MANE Select); coding-DNA position 3136, C replaced by T.
Protein change: p.Arg1046Cys; replaces arginine 1046 with cysteine.
Molecular consequence: missense variant.
Genome position (GRCh38, 1-based): chr19:11,222,839, G>A on the plus strand (C>T on the coding strand, the complement: DOCK6 is on the minus strand). VCF-style: chr19-11222839-G-A. GRCh37 (hg19) VCF-style: chr19-11333515-G-A.
Other names: c.3241C>T, p.Arg1081Cys (NM_001367830.1); short protein forms R1046C, R1081C.
Identifiers: ClinVar variation 813656 (VCV000813656.3), dbSNP rs371041517, ClinGen allele CA9207347.
Genomic context (GRCh38, chr19:11,222,839, plus strand): 5'-GTGACAGGGGGCAGCAGGGGAGGTTGAGGGTCACGTAGTGCTCGTGGCTGCACAGGATGC[G>A]GGTGAATTCCATGCGCAGGGTCAGCAGGGCTGCTGGATTAGGGGACGACTGGAGCCGCGT-3'
Protein context (NP_065863.2, residues 1036-1056): ALLTLRMEFT[Arg1046Cys]ILCSHEHYVT

ClinVar aggregate classification (germline): Uncertain significance. Review status: criteria provided, single submitter (1 of 4 stars). 2 submissions from 2 submitters: Uncertain significance (1). 1 of the submissions does not count toward it. Last evaluated 2022-08-22.

Conditions:
Microcephaly. Also called: Microcephaly (disease). Identifiers: MedGen C4551563, MONDO:0001149, HP:0000252.

Allele frequency attached by ClinVar (database versions not stated): gnomAD exomes 0.00001; gnomAD 0.00003; TOPMed 0.00004; ExAC 0.00007; ESP Exome Variant Server 0.00008; 1000 Genomes Project 30x 0.00016.
gnomAD v4.1: 24 of 1,601,192 alleles (0.0015%); highest among the groups gnomAD compares: African/African-American, 0.008%; no homozygotes.

Submissions (2):

Labcorp Genetics (formerly Invitae), Labcorp
Classification: Uncertain significance. Last evaluated: 2022-08-22. Review status: criteria provided, single submitter. Criteria: Invitae Variant Classification Sherloc (09022015). Collection method: clinical testing. Allele origin: germline.
Comment: This sequence change replaces arginine, which is basic and polar, with cysteine, which is neutral and slightly polar, at codon 1046 of the DOCK6 protein (p.Arg1046Cys). This variant is present in population databases (rs371041517, gnomAD 0.02%). This variant has not been reported in the literature in individuals affected with DOCK6-related conditions. ClinVar contains an entry for this variant (Variation ID: 813656). Algorithms developed to predict the effect of missense changes on protein structure and function are either unavailable or do not agree on the potential impact of this missense change (SIFT: "Deleterious"; PolyPhen-2: "Probably Damaging"; Align-GVGD: "Class C0"). In summary, the available evidence is currently insufficient to determine the role of this variant in disease. Therefore, it has been classified as a Variant of Uncertain Significance.

Department of Pediatrics, Samsung Medical Center, Samsung Medical Center
Classification: Uncertain significance for Microcephaly. Review status: no assertion criteria provided. Criteria: ACMG Guidelines, 2015. Collection method: research. Allele origin: germline. Affected: yes. Not counted in ClinVar's aggregate classification.